The following is an entry in ClinVar:

NM_177438.3(DICER1):c.4006C>A (p.Pro1336Thr)

Gene: DICER1 (dicer 1, ribonuclease III; minus strand). Cytogenetic location: 14q32.13.
Variant type: single nucleotide variant.
Coding change: c.4006C>A on transcript NM_177438.3 (MANE Select); coding-DNA position 4006, C replaced by A.
Protein change: p.Pro1336Thr; replaces proline 1336 with threonine.
Molecular consequence: missense variant.
Genome position (GRCh38, 1-based): chr14:95,103,390, G>T on the plus strand (C>A on the coding strand, the complement: DICER1 is on the minus strand). VCF-style: chr14-95103390-G-T. GRCh37 (hg19) VCF-style: chr14-95569727-G-T.
Other names: c.4006C>A, p.Pro1336Thr (NM_001195573.1, NM_001271282.3, NM_001291628.2 and 1 more transcripts); short protein forms P1336T.
Identifiers: ClinVar variation 655452 (VCV000655452.15), dbSNP rs1595363819, ClinGen allele CA390872971.
Genomic context (GRCh38, chr14:95,103,390, plus strand): 5'-AAAAATCATCTCTTACCTTTTTGCTTCTCATATATGAAAGGCGGCCCTCATGCGCATCAG[G>T]GTAAGTGCAAAATAGATATGTGGTGATGGCATGCTTTAAAAAGGAGTCGCCAAGCATTTC-3'
Protein context (NP_803187.1, residues 1326-1346): AITTYLFCTY[Pro1336Thr]DAHEGRLSYM

ClinVar aggregate classification (germline): Uncertain significance. Review status: criteria provided, multiple submitters, no conflicts (2 of 4 stars). 2 submissions from 2 submitters: Uncertain significance (2). Last evaluated 2025-08-10.

Conditions:
DICER1-related tumor predisposition. Also called: DICER1 syndrome; DICER1-related pleuropulmonary blastoma cancer predisposition syndrome. Identifiers: Orphanet 284343, MedGen C3839822, MONDO:0100216.
Hereditary cancer-predisposing syndrome. Also called: Neoplastic Syndromes, Hereditary; Hereditary neoplastic syndrome; Hereditary Cancer Syndrome; Tumor predisposition. Identifiers: Orphanet 140162, MedGen C0027672, MeSH D009386, MONDO:0015356.

Submissions (2):

Ambry Genetics
Classification: Uncertain significance for Hereditary cancer-predisposing syndrome. Last evaluated: 2025-08-10. Review status: criteria provided, single submitter. Criteria: Ambry Variant Classification Scheme 2023. Collection method: clinical testing. Allele origin: germline.
Comment: The p.P1336T variant (also known as c.4006C>A), located in coding exon 20 of the DICER1 gene, results from a C to A substitution at nucleotide position 4006. The proline at codon 1336 is replaced by threonine, an amino acid with highly similar properties. This amino acid position is highly conserved in available vertebrate species. In addition, this alteration is predicted to be deleterious by in silico analysis. Since supporting evidence is limited at this time, the clinical significance of this alteration remains unclear.

Labcorp Genetics (formerly Invitae), Labcorp
Classification: Uncertain significance for DICER1-related tumor predisposition. Last evaluated: 2025-07-30. Review status: criteria provided, single submitter. Criteria: Invitae Variant Classification Sherloc (09022015). Collection method: clinical testing. Allele origin: germline.
Comment: This sequence change replaces proline, which is neutral and non-polar, with threonine, which is neutral and polar, at codon 1336 of the DICER1 protein (p.Pro1336Thr). This variant is not present in population databases (gnomAD no frequency). This variant has not been reported in the literature in individuals affected with DICER1-related conditions. ClinVar contains an entry for this variant (Variation ID: 655452). Invitae Evidence Modeling of protein sequence and biophysical properties (such as structural, functional, and spatial information, amino acid conservation, physicochemical variation, residue mobility, and thermodynamic stability) has been performed for this missense variant. However, the output from this modeling did not meet the statistical confidence thresholds required to predict the impact of this variant on DICER1 protein function. In summary, the available evidence is currently insufficient to determine the role of this variant in disease. Therefore, it has been classified as a Variant of Uncertain Significance.